The following is an entry in ClinVar:

ClinVar aggregate classification (germline): Uncertain significance. Review status: criteria provided, multiple submitters, no conflicts (2 of 4 stars). 3 submissions from 3 submitters: Uncertain significance (3). Last evaluated 2024-01-16.

Conditions:
Predisposition to invasive fungal disease due to CARD9 deficiency (IMD103). Also called: Candidiasis, familial, 2, autosomal recessive; CARD9 IMMUNODEFICIENCY; IMMUNODEFICIENCY 103, SUSCEPTIBILITY TO FUNGAL INFECTIONS. Identifiers: Orphanet 457088, MedGen C1859353, MONDO:0008905, OMIM 212050.
Inborn genetic diseases. Identifiers: MedGen C0950123, MeSH D030342.

Allele frequency attached by ClinVar (database versions not stated): gnomAD exomes 0.00004 and 0.00008; ExAC 0.00006; TOPMed 0.00008; gnomAD 0.00009 and 0.00010.
gnomAD v4.1: 79 of 1,609,330 alleles (0.0049%); highest among the groups gnomAD compares: East Asian, 0.0022%; no homozygotes.

Submissions (4):

Ambry Genetics
Classification: Uncertain significance for Inborn genetic diseases. Last evaluated: 2024-01-16. Review status: criteria provided, single submitter. Criteria: Ambry Variant Classification Scheme 2023. Collection method: clinical testing. Allele origin: germline.

Labcorp Genetics (formerly Invitae), Labcorp
Classification: Uncertain significance for Predisposition to invasive fungal disease due to CARD9 deficiency. Last evaluated: 2022-07-06. Review status: criteria provided, single submitter. Criteria: Invitae Variant Classification Sherloc (09022015). Collection method: clinical testing. Allele origin: germline.
Comment: This sequence change replaces glycine, which is neutral and non-polar, with serine, which is neutral and polar, at codon 457 of the CARD9 protein (p.Gly457Ser). This variant is present in population databases (rs756953515, gnomAD 0.1%). This variant has not been reported in the literature in individuals affected with CARD9-related conditions. ClinVar contains an entry for this variant (Variation ID: 849328). Algorithms developed to predict the effect of missense changes on protein structure and function (SIFT, PolyPhen-2, Align-GVGD) all suggest that this variant is likely to be tolerated. Algorithms developed to predict the effect of sequence changes on RNA splicing suggest that this variant may create or strengthen a splice site. In summary, the available evidence is currently insufficient to determine the role of this variant in disease. Therefore, it has been classified as a Variant of Uncertain Significance.

Illumina Laboratory Services, Illumina
Classification: Uncertain significance for Predisposition to invasive fungal disease due to CARD9 deficiency. Last evaluated: 2018-01-13. Review status: criteria provided, single submitter. Criteria: ICSL Variant Classification Criteria 13 December 2019. Collection method: clinical testing. Allele origin: germline.

Dr. Peter K. Rogan Lab, Western University
No classification provided (evidence only). Condition: Ovarian serous cystadenocarcinoma. Review status: no classification provided. Collection method: in vitro. Allele origin: not applicable. Functional consequence: retained intron. Not counted in ClinVar's aggregate classification.

NM_052813.5(CARD9):c.1369G>A (p.Gly457Ser)

Gene: CARD9 (caspase recruitment domain family member 9; minus strand). Cytogenetic location: 9q34.3.
Variant type: single nucleotide variant.
Coding change: c.1369G>A on transcript NM_052813.5 (MANE Select); coding-DNA position 1369, G replaced by A.
Protein change: p.Gly457Ser; replaces glycine 457 with serine.
Molecular consequence: missense variant.
Genome position (GRCh38, 1-based): chr9:136,365,206, C>T on the plus strand (G>A on the coding strand, the complement: CARD9 is on the minus strand). VCF-style: chr9-136365206-C-T. GRCh37 (hg19) VCF-style: chr9-139259658-C-T.
Other names: c.1369G>A, p.Gly457Ser (NM_052814.4); short protein forms G457S.
Identifiers: ClinVar variation 849328 (VCV000849328.10), dbSNP rs756953515, ClinGen allele CA5332664.